The following is an entry in ClinVar:

ClinVar aggregate classification (germline): Uncertain significance. Review status: criteria provided, multiple submitters, no conflicts (2 of 4 stars). 2 submissions from 2 submitters: Uncertain significance (2). Last evaluated 2025-08-14.

Allele frequency attached by ClinVar (database versions not stated): TOPMed 0.00003.

Submissions (2):

Ambry Genetics
Classification: Uncertain significance. Last evaluated: 2025-08-14. Review status: criteria provided, single submitter. Criteria: Ambry Variant Classification Scheme 2023. Collection method: clinical testing. Allele origin: germline.

Labcorp Genetics (formerly Invitae), Labcorp
Classification: Uncertain significance. Last evaluated: 2022-04-03. Review status: criteria provided, single submitter. Criteria: Invitae Variant Classification Sherloc (09022015). Collection method: clinical testing. Allele origin: germline.
Comment: This sequence change replaces alanine, which is neutral and non-polar, with glycine, which is neutral and non-polar, at codon 5 of the IL2RB protein (p.Ala5Gly). In summary, the available evidence is currently insufficient to determine the role of this variant in disease. Therefore, it has been classified as a Variant of Uncertain Significance. Algorithms developed to predict the effect of sequence changes on RNA splicing suggest that this variant may create or strengthen a splice site. This variant is present in population databases (rs148235304, gnomAD 0.008%). This variant has not been reported in the literature in individuals affected with IL2RB-related conditions. Algorithms developed to predict the effect of missense changes on protein structure and function output the following: SIFT: "Tolerated"; PolyPhen-2: "Benign"; Align-GVGD: "Class C0". The glycine amino acid residue is found in multiple mammalian species, which suggests that this missense change does not adversely affect protein function.

NM_000878.5(IL2RB):c.14C>G (p.Ala5Gly)

Gene: IL2RB (interleukin 2 receptor subunit beta; minus strand). Cytogenetic location: 22q12.3.
Variant type: single nucleotide variant.
Coding change: c.14C>G on transcript NM_000878.5 (MANE Select); coding-DNA position 14, C replaced by G.
Protein change: p.Ala5Gly; replaces alanine 5 with glycine.
Molecular consequence: missense variant.
Genome position (GRCh38, 1-based): chr22:37,144,159, G>C on the plus strand (C>G on the coding strand, the complement: IL2RB is on the minus strand). VCF-style: chr22-37144159-G-C. GRCh37 (hg19) VCF-style: chr22-37540199-G-C.
Other names: c.14C>G, p.Ala5Gly (NM_001346222.1, NM_001346223.2); c.14C>G (NM_000878.2); short protein forms A5G.
Identifiers: ClinVar variation 2167257 (VCV002167257.3), dbSNP rs148235304, ClinGen allele CA324056665.